The following is an entry in ClinVar:

ClinVar aggregate classification (germline): Likely benign (1 of 4 stars; one submission).

gnomAD v4.1: 276 of 1,613,080 alleles (0.017%); highest among the groups gnomAD compares: South Asian, 0.022%; 2 homozygotes.

Submission:

CeGaT Center for Human Genetics Tuebingen
Classification: Likely benign. Last evaluated: 2026-01-01. Review status: criteria provided, single submitter. Criteria: CeGaT Center For Human Genetics Tuebingen Variant Classification Criteria Version 2. Collection method: clinical testing. Allele origin: germline. Affected: yes. Observed: 1 variant allele.
Comment: ATP6V1B2: BS2

NM_001693.4(ATP6V1B2):c.161A>G (p.Asn54Ser)

Gene: ATP6V1B2 (ATPase H+ transporting V1 subunit B2; plus strand). Cytogenetic location: 8p21.3.
Variant type: single nucleotide variant.
Coding change: c.161A>G on transcript NM_001693.4 (MANE Select); coding-DNA position 161, A replaced by G.
Protein change: p.Asn54Ser; replaces asparagine 54 with serine.
Molecular consequence: missense variant.
Genome position (GRCh38, 1-based): chr8:20,204,508, A>G. VCF-style: chr8-20204508-A-G. GRCh37 (hg19) VCF-style: chr8-20062019-A-G.
Other names: short protein forms N54S.
Identifiers: ClinVar variation 4821371 (VCV004821371.4).